The following is an entry in ClinVar:

NM_001040108.2(MLH3):c.3637G>C (p.Glu1213Gln)

Gene: MLH3 (mutL homolog 3; minus strand). Cytogenetic location: 14q24.3.
Variant type: single nucleotide variant.
Coding change: c.3637G>C on transcript NM_001040108.2 (MANE Select); coding-DNA position 3637, G replaced by C.
Protein change: p.Glu1213Gln; replaces glutamic acid 1213 with glutamine.
Molecular consequence: missense variant.
Genome position (GRCh38, 1-based): chr14:75,038,346, C>G on the plus strand (G>C on the coding strand, the complement: MLH3 is on the minus strand). VCF-style: chr14-75038346-C-G. GRCh37 (hg19) VCF-style: chr14-75505049-C-G.
Other names: c.3637G>C, p.Glu1213Gln (NM_014381.3); short protein forms E1213Q.
Identifiers: ClinVar variation 3396773 (VCV003396773.1).

ClinVar aggregate classification (germline): Uncertain significance (1 of 4 stars; one submission).

Submission:

Ambry Genetics
Classification: Uncertain significance. Last evaluated: 2024-11-18. Review status: criteria provided, single submitter. Criteria: Ambry Variant Classification Scheme 2023. Collection method: clinical testing. Allele origin: germline.
Comment: The p.E1213Q variant (also known as c.3637G>C), located in coding exon 5 of the MLH3 gene, results from a G to C substitution at nucleotide position 3637. The glutamic acid at codon 1213 is replaced by glutamine, an amino acid with highly similar properties. This amino acid position is conserved. In addition, this alteration is predicted to be tolerated by in silico analysis. Based on the available evidence, the clinical significance of this variant remains unclear.